The following is an entry in ClinVar:

NM_001077620.3(PRCD):c.*1439T>C

Genes: CYGB (cytoglobin; minus strand), PRCD (photoreceptor disc component; plus strand). Cytogenetic location: 17q25.1.
Variant type: single nucleotide variant.
Coding change: c.*1439T>C on transcript NM_001077620.3 (MANE Select); 1439 bases downstream of the stop codon, T replaced by C.
Molecular consequence: 3 prime UTR variant. On other transcripts: non-coding transcript variant (1).
Genome position (GRCh38, 1-based): chr17:76,545,089, T>C. VCF-style: chr17-76545089-T-C. GRCh37 (hg19) VCF-style: chr17-74541171-T-C.
Identifiers: ClinVar variation 325503 (VCV000325503.6), dbSNP rs5742903, ClinGen allele CA8788082.

ClinVar aggregate classification (germline): Benign. Review status: criteria provided, multiple submitters, no conflicts (2 of 4 stars). 2 submissions from 2 submitters: Benign (2). Last evaluated 2018-01-13.

Conditions:
Retinitis pigmentosa (RP). Identifiers: Orphanet 791, MedGen C0035334, MeSH D012174, MONDO:0019200, OMIM 268000. Inheritance: Autosomal dominant, autosomal recessive and X linked inheritance.

Allele frequency attached by ClinVar (database versions not stated): gnomAD 0.22457 and 0.22805; gnomAD exomes 0.22650 and 0.23977; TOPMed 0.21771; 1000 Genomes Project 0.24341; 1000 Genomes Project 30x 0.24735; ExAC 0.33202.
gnomAD v4.1: 106,776 of 453,544 alleles (24%); highest among the groups gnomAD compares: South Asian, 39%; 13,994 homozygotes.

Submissions (2):

Illumina Laboratory Services, Illumina
Classification: Benign for Retinitis pigmentosa. Last evaluated: 2018-01-13. Review status: criteria provided, single submitter. Criteria: ICSL Variant Classification Criteria 13 December 2019. Collection method: clinical testing. Allele origin: germline.
Comment: This variant was observed in the ICSL laboratory as part of a predisposition screen in an ostensibly healthy population. It had not been previously curated by ICSL or reported in the Human Gene Mutation Database (HGMD: prior to June 1st, 2018), and was therefore a candidate for classification through an automated scoring system. Utilizing variant allele frequency, disease prevalence and penetrance estimates, and inheritance mode, an automated score was calculated to assess if this variant is too frequent to cause the disease. Based on the score and internal cut-off values, a variant classified as benign is not then subjected to further curation. The score for this variant resulted in a classification of benign for this disease.

Breakthrough Genomics
Classification: Benign. Review status: criteria provided, single submitter. Criteria: ACMG Guidelines, 2015. Collection method: not provided. Allele origin: germline. Inheritance: Unknown mechanism. Affected: yes.